The following is an entry in ClinVar:

NM_014476.6(PDLIM3):c.602A>G (p.Asn201Ser)

Gene: PDLIM3 (PDZ and LIM domain 3; minus strand). Cytogenetic location: 4q35.1.
Variant type: single nucleotide variant.
Coding change: c.602A>G on transcript NM_014476.6 (MANE Select); coding-DNA position 602, A replaced by G.
Protein change: p.Asn201Ser; replaces asparagine 201 with serine.
Molecular consequence: missense variant. On other transcripts: intron variant (3).
Genome position (GRCh38, 1-based): chr4:185,508,359, T>C on the plus strand (A>G on the coding strand, the complement: PDLIM3 is on the minus strand). VCF-style: chr4-185508359-T-C. GRCh37 (hg19) VCF-style: chr4-186429513-T-C.
Other names: c.162-1707A>G (NM_001257963.2); c.399-1707A>G (NM_001257962.2); c.519-1707A>G (NM_001114107.5); c.602A>G (NM_014476.4); short protein forms N201S.
Identifiers: ClinVar variation 2950115 (VCV002950115.4), dbSNP rs2478341578, ClinGen allele CA358923779.

ClinVar aggregate classification (germline): Uncertain significance. Review status: criteria provided, multiple submitters, no conflicts (2 of 4 stars). 2 submissions from 2 submitters: Uncertain significance (2). Last evaluated 2024-03-27.

Conditions:
Primary dilated cardiomyopathy (DCM). Also called: Dilated Cardiomyopathy. Identifiers: Orphanet 217604, MedGen C0007193, MeSH D002311, MONDO:0005021, HP:0001644. Inheritance: Various modes of inheritance.
Hypertrophic cardiomyopathy. Also called: HYPERTROPHIC MYOCARDIOPATHY. Identifiers: Orphanet 217569, MedGen C0007194, MeSH D002312, MONDO:0005045, HP:0001639.

Allele frequency attached by ClinVar (database versions not stated): gnomAD exomes below 0.00001.
gnomAD v4.1: 3 of 1,614,114 alleles (0.00019%); highest among the groups gnomAD compares: Middle Eastern, 0.016%; no homozygotes.

Submissions (2):

Ambry Genetics
Classification: Uncertain significance. Last evaluated: 2024-03-27. Review status: criteria provided, single submitter. Criteria: Ambry Variant Classification Scheme 2023. Collection method: clinical testing. Allele origin: germline.
Comment: The p.N201S variant (also known as c.602A>G), located in coding exon 5 of the PDLIM3 gene, results from an A to G substitution at nucleotide position 602. The asparagine at codon 201 is replaced by serine, an amino acid with highly similar properties. This amino acid position is conserved. In addition, this alteration is predicted to be tolerated by in silico analysis. Based on the available evidence, the clinical significance of this alteration remains unclear.

Labcorp Genetics (formerly Invitae), Labcorp
Classification: Uncertain significance for Hypertrophic cardiomyopathy; Primary dilated cardiomyopathy. Last evaluated: 2023-03-27. Review status: criteria provided, single submitter. Criteria: Invitae Variant Classification Sherloc (09022015). Collection method: clinical testing. Allele origin: germline.
Comment: In summary, the available evidence is currently insufficient to determine the role of this variant in disease. Therefore, it has been classified as a Variant of Uncertain Significance. Advanced modeling of protein sequence and biophysical properties (such as structural, functional, and spatial information, amino acid conservation, physicochemical variation, residue mobility, and thermodynamic stability) performed at Invitae indicates that this missense variant is not expected to disrupt PDLIM3 protein function. This variant has not been reported in the literature in individuals affected with PDLIM3-related conditions. This variant is not present in population databases (gnomAD no frequency). This sequence change replaces asparagine, which is neutral and polar, with serine, which is neutral and polar, at codon 201 of the PDLIM3 protein (p.Asn201Ser).